The following is an entry in ClinVar:

NM_020759.3(STARD9):c.8367A>G (p.Leu2789=)

Gene: STARD9 (StAR related lipid transfer domain containing 9; plus strand). Cytogenetic location: 15q15.2.
Variant type: single nucleotide variant.
Coding change: c.8367A>G on transcript NM_020759.3 (MANE Select); coding-DNA position 8367, A replaced by G.
Protein change: p.Leu2789=; no amino-acid change (leucine 2789 retained).
Molecular consequence: synonymous variant.
Genome position (GRCh38, 1-based): chr15:42,689,945, A>G. VCF-style: chr15-42689945-A-G. GRCh37 (hg19) VCF-style: chr15-42982143-A-G.
Identifiers: ClinVar variation 3048478 (VCV003048478.2), dbSNP rs114877303, ClinGen allele CA7514592.

ClinVar aggregate classification (germline): Likely benign (0 of 4 stars; one submission).

Conditions:
STARD9-related disorder. Also called: STARD9-related condition.

Allele frequency attached by ClinVar (database versions not stated): gnomAD exomes 0.00010; ExAC 0.00034; gnomAD 0.00098; TOPMed 0.00102; 1000 Genomes Project 30x 0.00219; 1000 Genomes Project 0.00220.
gnomAD v4.1: 305 of 1,537,716 alleles (0.02%); highest among the groups gnomAD compares: African/African-American, 0.36%; 1 homozygote.

Submission:

PreventionGenetics, part of Exact Sciences
Classification: Likely benign for STARD9-related condition. Last evaluated: 2019-02-28. Review status: no assertion criteria provided. Collection method: clinical testing. Allele origin: germline.
Comment: This variant is classified as likely benign based on ACMG/AMP sequence variant interpretation guidelines (Richards et al. 2015 PMID: 25741868, with internal and published modifications).